The following is an entry in ClinVar:

NM_020041.3(SLC2A9):c.599C>T (p.Ser200Phe)

Gene: SLC2A9 (solute carrier family 2 member 9; minus strand). Cytogenetic location: 4p16.1.
Variant type: single nucleotide variant.
Coding change: c.599C>T on transcript NM_020041.3 (MANE Select); coding-DNA position 599, C replaced by T.
Protein change: p.Ser200Phe; replaces serine 200 with phenylalanine.
Molecular consequence: missense variant.
Genome position (GRCh38, 1-based): chr4:9,980,674, G>A on the plus strand (C>T on the coding strand, the complement: SLC2A9 is on the minus strand). VCF-style: chr4-9980674-G-A. GRCh37 (hg19) VCF-style: chr4-9982298-G-A.
Other names: c.512C>T, p.Ser171Phe (NM_001001290.2); short protein forms S171F, S200F.
Identifiers: ClinVar variation 1422868 (VCV001422868.6), dbSNP rs1214574492, ClinGen allele CA356362890.

ClinVar aggregate classification (germline): Uncertain significance (1 of 4 stars; one submission).

Submission:

Labcorp Genetics (formerly Invitae), Labcorp
Classification: Uncertain significance. Last evaluated: 2021-10-25. Review status: criteria provided, single submitter. Criteria: Invitae Variant Classification Sherloc (09022015). Collection method: clinical testing. Allele origin: germline.
Comment: This sequence change replaces serine, which is neutral and polar, with phenylalanine, which is neutral and non-polar, at codon 200 of the SLC2A9 protein (p.Ser200Phe). This variant is not present in population databases (gnomAD no frequency). This variant has not been reported in the literature in individuals affected with SLC2A9-related conditions. Algorithms developed to predict the effect of missense changes on protein structure and function are either unavailable or do not agree on the potential impact of this missense change (SIFT: "Deleterious"; PolyPhen-2: "Benign"; Align-GVGD: "Class C0"). In summary, the available evidence is currently insufficient to determine the role of this variant in disease. Therefore, it has been classified as a Variant of Uncertain Significance.